The following is an entry in ClinVar:

ClinVar aggregate classification (germline): Uncertain significance (1 of 4 stars; one submission).

Submission:

GeneDx
Classification: Uncertain significance. Last evaluated: 2026-02-15. Review status: criteria provided, single submitter. Criteria: GeneDx Variant Classification Process June 2021. Collection method: clinical testing. Allele origin: germline.
Comment: In silico analysis suggests that this missense variant does not alter protein structure/function; Has not been previously published as pathogenic or benign to our knowledge

NM_018245.3(OGDHL):c.1018A>G (p.Met340Val)

Gene: OGDHL (oxoglutarate dehydrogenase L; minus strand). Cytogenetic location: 10q11.23.
Variant type: single nucleotide variant.
Coding change: c.1018A>G on transcript NM_018245.3 (MANE Select); coding-DNA position 1018, A replaced by G.
Protein change: p.Met340Val; replaces methionine 340 with valine.
Molecular consequence: missense variant. On other transcripts: initiator codon variant (1), non-coding transcript variant (5).
Genome position (GRCh38, 1-based): chr10:49,747,178, T>C on the plus strand (A>G on the coding strand, the complement: OGDHL is on the minus strand). VCF-style: chr10-49747178-T-C. GRCh37 (hg19) VCF-style: chr10-50955224-T-C.
Other names: c.847A>G, p.Met283Val (NM_001143996.2, NM_001347820.1); c.391A>G, p.Met131Val (NM_001143997.2, NM_001347821.2, NM_001347822.1 and 1 more transcripts); c.1018A>G, p.Met340Val (NM_001347819.1, NM_001347823.1, NM_001347824.2); c.1A>G, p.Met1Val (NM_001347826.1); short protein forms M131V, M1V, M283V, M340V.
Identifiers: ClinVar variation 4975044 (VCV004975044.1).
Genomic context (GRCh38, chr10:49,747,178, plus strand): 5'-TGGCAACCAGCGACAGAGTGATGTTCCGGTTGGTGACGCGGTTGATCCTCTCATGGTACA[T>C]GCCCAGGTGGTACTTGACATCCCCGGAGCCCTGAAGGTGGAGATGGGAACATGATGGATC-3'
Protein context (NP_060715.2, residues 330-350): GSGDVKYHLG[Met340Val]YHERINRVTN